The following is an entry in ClinVar:

NM_015443.4(KANSL1):c.1939G>A (p.Glu647Lys)

Gene: KANSL1 (KAT8 regulatory NSL complex subunit 1). Cytogenetic location: 17q21.31.
Variant type: single nucleotide variant.
Coding change: c.1939G>A on transcript NM_015443.4 (MANE Select); coding-DNA position 1939, G replaced by A.
Protein change: p.Glu647Lys; replaces glutamic acid 647 with lysine.
Molecular consequence: missense variant.
Genome position (GRCh38, 1-based): chr17:46,050,614, C>T on the plus strand (G>A on the coding strand, the complement: KANSL1 is on the minus strand). VCF-style: chr17-46050614-C-T. GRCh37 (hg19) VCF-style: chr17-44127980-C-T.
Other names: c.1837G>A, p.Glu613Lys (NM_001405861.1, NM_001405859.1, NM_001405860.1 and 1 more transcripts); c.1939G>A, p.Glu647Lys (NM_001405872.1, NM_001405873.1, NM_001405874.1 and 14 more transcripts); c.673G>A, p.Glu225Lys (NM_001405882.1, NM_001405883.1, NM_001405884.1 and 1 more transcripts); short protein forms E613K, E225K, E647K.
Identifiers: ClinVar variation 2863551 (VCV002863551.5), dbSNP rs1258391982, ClinGen allele CA399984056.
Genomic context (GRCh38, chr17:46,050,614, plus strand): 5'-GATGAACACAAGAGTCCAACTGGGAAAGACGTTCCAACAGAGGGGCTTCATAGTGAATTT[C>T]GGGAGGCATGGTGTTGATGCTGCCTGAACCACACAGTGCGCAGGAGGGATTCACATCACA-3'
Protein context (NP_056258.1, residues 637-657): GSGSINTMPP[Glu647Lys]IHYEAPLLER

ClinVar aggregate classification (germline): Likely benign. Review status: criteria provided, multiple submitters, no conflicts (2 of 4 stars). 2 submissions from 2 submitters: Likely benign (2). Last evaluated 2026-04-01.

Conditions:
Koolen-de Vries syndrome (KDVS). Identifiers: Orphanet 96169, MedGen C1864871, MONDO:0012496, OMIM 610443.

Allele frequency attached by ClinVar (database versions not stated): gnomAD 0.00001; gnomAD exomes 0.00001; TOPMed 0.00001.
gnomAD v4.1: 11 of 1,613,996 alleles (0.00068%); highest among the groups gnomAD compares: African/African-American, 0.0027%; no homozygotes.

Submissions (2):

CeGaT Center for Human Genetics Tuebingen
Classification: Likely benign. Last evaluated: 2026-04-01. Review status: criteria provided, single submitter. Criteria: CeGaT Center For Human Genetics Tuebingen Variant Classification Criteria Version 2. Collection method: clinical testing. Allele origin: germline. Affected: yes. Observed: 1 variant allele.
Comment: KANSL1: BS2

Labcorp Genetics (formerly Invitae), Labcorp
Classification: Likely benign for Koolen-de Vries syndrome. Last evaluated: 2024-02-12. Review status: criteria provided, single submitter. Criteria: Invitae Variant Classification Sherloc (09022015). Collection method: clinical testing. Allele origin: germline.